The following is an entry in ClinVar:

NM_000038.6(APC):c.4033G>T (p.Glu1345Ter)

Gene: APC (APC regulator of Wnt signaling pathway; plus strand). Cytogenetic location: 5q22.2.
Variant type: single nucleotide variant.
Coding change: c.4033G>T on transcript NM_000038.6 (MANE Select); coding-DNA position 4033, G replaced by T.
Protein change: p.Glu1345Ter; replaces glutamic acid 1345 with a stop codon.
Molecular consequence: nonsense.
Genome position (GRCh38, 1-based): chr5:112,839,627, G>T. VCF-style: chr5-112839627-G-T. GRCh37 (hg19) VCF-style: chr5-112175324-G-T.
Other names: NC_000005.9:g.112175324G>T; c.4033G>T, p.Glu1345Ter (NM_001127510.3, NM_001354895.2); c.3979G>T, p.Glu1327Ter (NM_001127511.3); c.3958G>T, p.Glu1320Ter (NM_001354898.2); c.3949G>T, p.Glu1317Ter (NM_001354899.2); c.3910G>T, p.Glu1304Ter (NM_001354900.2); c.3856G>T, p.Glu1286Ter (NM_001354901.2); c.3760G>T, p.Glu1254Ter (NM_001354902.2); and 6 more; short protein forms E1327*, E1345*, E1062*, E1185*, E1286*, E1304*, E1317*, E1363*.
Identifiers: ClinVar variation 449334 (VCV000449334.5), dbSNP rs1211642532, ClinGen allele CA16030172.
Genomic context (GRCh38, chr5:112,839,627, plus strand): 5'-GCAGTGTCACAGCACCCTAGAACCAAATCCAGCAGACTGCAGGGTTCTAGTTTATCTTCA[G>T]AATCAGCCAGGCACAAAGCTGTTGAATTTTCTTCAGGAGCGAAATCTCCCTCCAAAAGTG-3'

ClinVar aggregate classification (germline): Pathogenic. Review status: criteria provided, multiple submitters, no conflicts (2 of 4 stars). 2 submissions from 2 submitters: Pathogenic (2). Last evaluated 2023-05-10.

Conditions:
Familial adenomatous polyposis 1 (FAP1). Also called: FAMILIAL ADENOMATOUS POLYPOSIS 1, ATTENUATED; POLYPOSIS, ADENOMATOUS INTESTINAL. Identifiers: MedGen C2713442, MONDO:0021056, OMIM 175100. Disease mechanism: loss of function.

Submissions (3):

Myriad Genetics, Inc.
Classification: Pathogenic for Familial adenomatous polyposis 1. Last evaluated: 2023-05-10. Review status: criteria provided, single submitter. Criteria: Myriad Autosomal Dominant, Autosomal Recessive and X-Linked Classification Criteria (2023). Collection method: clinical testing. Allele origin: unknown.
Comment: This variant is considered pathogenic. This variant creates a termination codon and is predicted to result in premature protein truncation.

GeneDx
Classification: Pathogenic. Last evaluated: 2017-07-25. Review status: criteria provided, single submitter. Criteria: GeneDx Variant Classification (06012015). Collection method: clinical testing. Allele origin: germline. Affected: yes.
Comment: This variant is denoted APC c.4033G>T at the cDNA level and p.Glu1345Ter (E1345X) at the proteinlevel. The substitution creates a nonsense variant, which changes a Glutamic Acid to a premature stop codon(GAA>TAA), and is predicted to cause loss of normal protein function through protein truncation. This variant has beenreported in an individual with colorectal cancer and greater than 100 adenomas and is considered pathogenic (GÃ³mez-FernÃ¡ndez 2009)

Dr. Peter K. Rogan Lab, Western University
No classification provided (evidence only). Condition: Colon adenocarcinoma. Review status: no classification provided. Collection method: in vitro. Allele origin: not applicable. Functional consequence: retained intron. Not counted in ClinVar's aggregate classification.